The following is an entry in ClinVar:

ClinVar aggregate classification (germline): Likely benign (1 of 4 stars; one submission).

Submission:

CeGaT Center for Human Genetics Tuebingen
Classification: Likely benign. Last evaluated: 2025-01-01. Review status: criteria provided, single submitter. Criteria: CeGaT Center For Human Genetics Tuebingen Variant Classification Criteria Version 2. Collection method: clinical testing. Allele origin: germline. Affected: yes. Observed: 1 variant allele.
Comment: PHIP: PM2:Supporting, BP4, BP7

NM_017934.7(PHIP):c.3309C>T (p.Tyr1103=)

Genes: IRAK1BP1 (interleukin 1 receptor associated kinase 1 binding protein 1; plus strand), PHIP (PHIP subunit of CUL4-Ring ligase complex; minus strand). Cytogenetic location: 6q14.1.
Variant type: single nucleotide variant.
Coding change: c.3309C>T on transcript NM_017934.7 (MANE Select); coding-DNA position 3309, C replaced by T.
Protein change: p.Tyr1103=; no amino-acid change (tyrosine 1103 retained).
Molecular consequence: synonymous variant.
Genome position (GRCh38, 1-based): chr6:78,965,953, G>A on the plus strand (C>T on the coding strand, the complement: PHIP is on the minus strand). VCF-style: chr6-78965953-G-A. GRCh37 (hg19) VCF-style: chr6-79675670-G-A.
Identifiers: ClinVar variation 3771851 (VCV003771851.13).
Genomic context (GRCh38, chr6:78,965,953, plus strand): 5'-AAAAATTCAAAGCAAGCCTAGGTGAACTAAAATACAACAAATATTTCCTTACCAAACATT[G>A]TAGCATTGAAACAGACTATCAGGGTACTCAAGTTGAAGAGGTTCCTGGCTTTCGATTGTT-3'
Protein context (NP_060404.4, residues 1093-1113): LEYPDSLFQC[Tyr1103=]NVCWDNGDTE